The following is an entry in ClinVar:

NM_000219.6(KCNE1):c.184A>T (p.Met62Leu)

Gene: KCNE1 (potassium voltage-gated channel subfamily E regulatory subunit 1; minus strand). Cytogenetic location: 21q22.12.
Variant type: single nucleotide variant.
Coding change: c.184A>T on transcript NM_000219.6 (MANE Select); coding-DNA position 184, A replaced by T.
Protein change: p.Met62Leu; replaces methionine 62 with leucine.
Molecular consequence: missense variant.
Genome position (GRCh38, 1-based): chr21:34,449,451, T>A on the plus strand (A>T on the coding strand, the complement: KCNE1 is on the minus strand). VCF-style: chr21-34449451-T-A. GRCh37 (hg19) VCF-style: chr21-35821749-T-A.
Other names: c.184A>T, p.Met62Leu (NM_001127668.4, NM_001127669.4, NM_001127670.4 and 4 more transcripts); short protein forms M62L.
Identifiers: ClinVar variation 3374270 (VCV003374270.2).
Genomic context (GRCh38, chr21:34,449,451, plus strand): 5'-TGTAGACGTTGAATGGGTCGTTCGAGTGCTCCAGCTTCTTGGAGCGGATGTAGCTCAGCA[T>A]GATGCCCAGGGTGAAGAAGCCGAAGAATCCCAGTACCATGAGGACGTAGAGGGCCTCCAG-3'
Protein context (NP_000210.2, residues 52-72): GFFGFFTLGI[Met62Leu]LSYIRSKKLE

Conditions:
Long QT syndrome 5 (LQT5). Identifiers: Orphanet 101016, Orphanet 768, MedGen C1867904, MONDO:0013372, OMIM 613695.

Submission:

Roden Lab, Vanderbilt University Medical Center
No classification provided (evidence only). Condition: Long QT syndrome 5. Review status: no classification provided. Collection method: in vitro. Allele origin: not applicable. Functional consequence: Effect on ion channel function.
ClinVar note: "not provided" was previously submitted as the classification for the variant. However, the classification appeared to be based only on an observation of functional data so it was converted to no classification on 2025-07-30.